The following is an entry in ClinVar:

ClinVar aggregate classification (germline): Benign/Likely benign. Review status: criteria provided, multiple submitters, no conflicts (2 of 4 stars). 3 submissions from 3 submitters: Benign (1); Likely benign (2). Last evaluated 2026-03-01.

Conditions:
Inborn genetic diseases. Identifiers: MedGen C0950123, MeSH D030342.

Submissions (3):

CeGaT Center for Human Genetics Tuebingen
Classification: Likely benign. Last evaluated: 2026-03-01. Review status: criteria provided, single submitter. Criteria: CeGaT Center For Human Genetics Tuebingen Variant Classification Criteria Version 2. Collection method: clinical testing. Allele origin: germline. Affected: yes. Observed: 1 variant allele.
Comment: PACS1: BS1

Blueprint Genetics
Classification: Likely benign. Last evaluated: 2024-07-26. Review status: criteria provided, single submitter. Criteria: ACMG Guidelines, 2015. Collection method: clinical testing. Allele origin: germline.

Ambry Genetics
Classification: Benign for Inborn genetic diseases. Last evaluated: 2019-12-12. Review status: criteria provided, single submitter. Criteria: Ambry Variant Classification Scheme 2023. Collection method: clinical testing. Allele origin: germline.

NM_018026.4(PACS1):c.104AGC[7] (p.Gln40_Pro41insGln)

Gene: PACS1 (phosphofurin acidic cluster sorting protein 1; plus strand). Cytogenetic location: 11q13.1.
Variant type: Microsatellite.
Coding change: c.104AGC[7] on transcript NM_018026.4 (MANE Select); seven copies in a row of the 3-base unit AGC starting at c.104; the reference has six copies in a row; one copy, 3 bases duplicated.
Protein change: p.Gln40_Pro41insGln.
Molecular consequence: inframe insertion.
Genome position (GRCh38, 1-based): chr11:66,070,605-66,070,607, AGC duplicated; duplicating any 3 consecutive bases within chr11:66,070,588-66,070,607 gives the same sequence; the position shown is the placement nearest the transcript's 3' end. VCF-style (leftmost placement, unchanged base first): chr11-66070587-C-CGCA. GRCh37 (hg19) VCF-style: chr11-65838058-C-CGCA.
Identifiers: ClinVar variation 1744643 (VCV001744643.7), dbSNP rs749515977, ClinGen allele CA6116165.